The following is an entry in ClinVar:

ClinVar aggregate classification (germline): Uncertain significance (1 of 4 stars; one submission).

Submission:

GeneDx
Classification: Uncertain significance. Last evaluated: 2022-07-18. Review status: criteria provided, single submitter. Criteria: GeneDx Variant Classification Process June 2021. Collection method: clinical testing. Allele origin: germline. Affected: yes.
Comment: Not observed at significant frequency in large population cohorts (gnomAD); In silico analysis supports that this missense variant does not alter protein structure/function; Has not been previously published as pathogenic or benign to our knowledge

NM_001370100.5(ZMYND11):c.517G>A (p.Ala173Thr)

Gene: ZMYND11 (zinc finger MYND-type containing 11; plus strand). Cytogenetic location: 10p15.3.
Variant type: single nucleotide variant.
Coding change: c.517G>A on transcript NM_001370100.5 (MANE Select); coding-DNA position 517, G replaced by A.
Protein change: p.Ala173Thr; replaces alanine 173 with threonine.
Molecular consequence: missense variant. On other transcripts: non-coding transcript variant (1), intron variant (4).
Genome position (GRCh38, 1-based): chr10:237,585, G>A. VCF-style: chr10-237585-G-A. GRCh37 (hg19) VCF-style: chr10-283525-G-A.
Other names: c.517G>A, p.Ala173Thr (NM_001161482.1, NM_001202468.1, NM_001370097.3 and 9 more transcripts); c.355G>A, p.Ala119Thr (NM_001202464.3, NM_001202466.3, NM_001202467.1 and 9 more transcripts); c.466G>A, p.Ala156Thr (NM_001330057.3, NM_001370112.2); c.451G>A, p.Ala151Thr (NM_001370116.2); c.397G>A, p.Ala133Thr (NM_001370118.2); c.289G>A, p.Ala97Thr (NM_001370120.2); c.235G>A, p.Ala79Thr (NM_001370121.2); c.304G>A, p.Ala102Thr (NM_001370123.2); and 3 more; short protein forms A151T, A79T, A102T, A16T, A119T, A133T, A173T, A156T.
Identifiers: ClinVar variation 2136114 (VCV002136114.1), dbSNP rs2539797420, ClinGen allele CA375844889.